The following is an entry in ClinVar:

NM_006206.6(PDGFRA):c.38G>A (p.Cys13Tyr)

Gene: PDGFRA (platelet derived growth factor receptor alpha; plus strand). Cytogenetic location: 4q12.
Variant type: single nucleotide variant.
Coding change: c.38G>A on transcript NM_006206.6 (MANE Select); coding-DNA position 38, G replaced by A.
Protein change: p.Cys13Tyr; replaces cysteine 13 with tyrosine.
Molecular consequence: missense variant.
Genome position (GRCh38, 1-based): chr4:54,258,806, G>A. VCF-style: chr4-54258806-G-A. GRCh37 (hg19) VCF-style: chr4-55124973-G-A.
Other names: c.38G>A, p.Cys13Tyr (NM_001347827.2, NM_001347829.2); c.113G>A, p.Cys38Tyr (NM_001347828.2); c.77G>A, p.Cys26Tyr (NM_001347830.2); short protein forms C26Y, C38Y, C13Y.
Identifiers: ClinVar variation 4134007 (VCV004134007.1).
Genomic context (GRCh38, chr4:54,258,806, plus strand): 5'-GACTTTTCTAGTTTCCCAGAGCTATGGGGACTTCCCATCCGGCGTTCCTGGTCTTAGGCT[G>A]TCTTCTCACAGGTACGGAGCCCAGTCCTCTCTGAGTTCCTTGTTTGGGTGTCTTGTTTTT-3'
Protein context (NP_006197.1, residues 3-23): TSHPAFLVLG[Cys13Tyr]LLTGLSLILC

ClinVar aggregate classification (germline): Uncertain significance (1 of 4 stars; one submission).

Conditions:
Hereditary cancer-predisposing syndrome. Also called: Hereditary neoplastic syndrome; Neoplastic Syndromes, Hereditary; Tumor predisposition; Hereditary Cancer Syndrome. Identifiers: Orphanet 140162, MedGen C0027672, MeSH D009386, MONDO:0015356.

gnomAD v4.1: 3 of 1,613,812 alleles (0.00019%); highest among the groups gnomAD compares: South Asian, 0.0011%; no homozygotes.

Submission:

Ambry Genetics
Classification: Uncertain significance for Hereditary cancer-predisposing syndrome. Last evaluated: 2025-09-03. Review status: criteria provided, single submitter. Criteria: Ambry Variant Classification Scheme 2023. Collection method: clinical testing. Allele origin: germline.
Comment: The p.C13Y variant (also known as c.38G>A), located in coding exon 1 of the PDGFRA gene, results from a G to A substitution at nucleotide position 38. The cysteine at codon 13 is replaced by tyrosine, an amino acid with highly dissimilar properties. This amino acid position is well conserved in available vertebrate species. In addition, this alteration is predicted to be tolerated by in silico analysis. Based on the available evidence, the clinical significance of this variant remains unclear.